The following is an entry in ClinVar:

NM_000548.5(TSC2):c.976-207_1191del

Gene: TSC2 (TSC complex subunit 2; plus strand). Cytogenetic location: 16p13.3.
Variant type: Deletion.
Coding change: c.976-207_1191del on transcript NM_000548.5 (MANE Select); 207 bases into the intron before coding-DNA position 976 through coding-DNA position 1191, 1,480 bases deleted.
Molecular consequence: splice acceptor variant, splice donor variant.
Genome position (GRCh38, 1-based): chr16:2,060,463-2,061,942, 1,480 bases deleted. GRCh37 (hg19): chr16:2,110,464-2,111,943.
Other names: c.976-207_1191del (NM_001114382.3, NM_021055.3, NM_001370405.1 and 3 more transcripts); c.865-207_1080del (NM_001318827.2); c.376-207_591del (NM_001318831.2); c.829-207_1044del (NM_001318829.2); c.1009-207_1224del (NM_001318832.2).
Identifiers: ClinVar variation 660231 (VCV000660231.1), ClinGen allele CA915946230.

ClinVar aggregate classification (germline): Likely pathogenic (1 of 4 stars; one submission).

Conditions:
Tuberous sclerosis 2 (TSC2). Identifiers: Orphanet 805, MedGen C1860707, MONDO:0013199, OMIM 613254.

Submission:

Labcorp Genetics (formerly Invitae), Labcorp
Classification: Likely pathogenic for Tuberous sclerosis 2. Last evaluated: 2018-08-13. Review status: criteria provided, single submitter. Criteria: Invitae Variant Classification Sherloc (09022015). Collection method: clinical testing. Allele origin: germline.
Comment: This variant is a gross deletion of the genomic region encompassing exon 11 and part of exon 12 (c.976-207_1191del) of the TSC2 gene. It is expected to disrupt RNA splicing and likely results in an absent or disrupted protein product. This variant has not been reported in the literature in individuals with TSC2-related disease. Loss-of-function variants in TSC2 are known to be pathogenic (PMID: 10205261, 17304050). In summary, the currently available evidence indicates that the variant is pathogenic, but additional data are needed to prove that conclusively. Therefore, this variant has been classified as Likely Pathogenic.